The following is an entry in ClinVar:

ClinVar aggregate classification (germline): Uncertain significance (1 of 4 stars; one submission).

Allele frequency attached by ClinVar (database versions not stated): gnomAD exomes below 0.00001; ExAC 0.00001; gnomAD 0.00005 and 0.00006; TOPMed 0.00010.
gnomAD v4.1: 15 of 1,614,012 alleles (0.00093%); highest among the groups gnomAD compares: Admixed American, 0.02%; no homozygotes.

Submission:

Labcorp Genetics (formerly Invitae), Labcorp
Classification: Uncertain significance. Last evaluated: 2025-11-12. Review status: criteria provided, single submitter. Criteria: Invitae Variant Classification Sherloc (09022015). Collection method: clinical testing. Allele origin: germline.
Comment: This sequence change replaces alanine, which is neutral and non-polar, with threonine, which is neutral and polar, at codon 122 of the NCSTN protein (p.Ala122Thr). This variant is not present in population databases (gnomAD no frequency). This variant has not been reported in the literature in individuals affected with NCSTN-related conditions. ClinVar contains an entry for this variant (Variation ID: 1435118). Invitae Evidence Modeling of protein sequence and biophysical properties (such as structural, functional, and spatial information, amino acid conservation, physicochemical variation, residue mobility, and thermodynamic stability) indicates that this missense variant is expected to disrupt NCSTN protein function with a positive predictive value of 80%. In summary, the available evidence is currently insufficient to determine the role of this variant in disease. Therefore, it has been classified as a Variant of Uncertain Significance.

NM_015331.3(NCSTN):c.364G>A (p.Ala122Thr)

Gene: NCSTN (nicastrin; plus strand). Cytogenetic location: 1q23.2.
Variant type: single nucleotide variant.
Coding change: c.364G>A on transcript NM_015331.3 (MANE Select); coding-DNA position 364, G replaced by A.
Protein change: p.Ala122Thr; replaces alanine 122 with threonine.
Molecular consequence: missense variant.
Genome position (GRCh38, 1-based): chr1:160,349,598, G>A. VCF-style: chr1-160349598-G-A. GRCh37 (hg19) VCF-style: chr1-160319388-G-A.
Other names: c.304G>A, p.Ala102Thr (NM_001290184.2); c.364G>A, p.Ala122Thr (NM_001290186.2, NM_001349729.2); short protein forms A102T, A122T.
Identifiers: ClinVar variation 1435118 (VCV001435118.8), dbSNP rs756614906, ClinGen allele CA1198689.